The following is an entry in ClinVar:

NM_024678.6(NARS2):c.-38T>C

Gene: NARS2 (asparaginyl-tRNA synthetase 2, mitochondrial; minus strand). Cytogenetic location: 11q14.1.
Variant type: single nucleotide variant.
Coding change: c.-38T>C on transcript NM_024678.6 (MANE Select); 38 bases upstream of the start codon, T replaced by C.
Molecular consequence: 5 prime UTR variant. On other transcripts: intron variant (1).
Genome position (GRCh38, 1-based): chr11:78,574,526, A>G on the plus strand (T>C on the coding strand, the complement: NARS2 is on the minus strand). VCF-style: chr11-78574526-A-G. GRCh37 (hg19) VCF-style: chr11-78285571-A-G.
Other names: c.-541+303T>C (NM_001243251.2).
Identifiers: ClinVar variation 507545 (VCV000507545.1), dbSNP rs1003749346, ClinGen allele CA225113556.
Genomic context (GRCh38, chr11:78,574,526, plus strand): 5'-AGCAGGCAGCGGACCCCCAGCATCCCGCGTCCGCCCAGGCCCTCCGCGGGAGCAGCCCAG[A>G]CCCCACGGTTCGAACCCCGCCTGCAGCGGCCCTCCTTTCTCAGCTGCTCCCCTTCCGCGG-3'

ClinVar aggregate classification (germline): Likely benign (1 of 4 stars; one submission).

Allele frequency attached by ClinVar (database versions not stated): gnomAD exomes 0.00003; gnomAD 0.00001; TOPMed 0.00001.
gnomAD v4.1: 28 of 1,554,072 alleles (0.0018%); highest among the groups gnomAD compares: Middle Eastern, 0.13%; no homozygotes.

Submission:

GeneDx
Classification: Likely benign. Last evaluated: 2017-03-01. Review status: criteria provided, single submitter. Criteria: GeneDx Variant Classification (06012015). Collection method: clinical testing. Allele origin: germline. Affected: yes.
Comment: This variant is considered likely benign or benign based on one or more of the following criteria: it is a conservative change, it occurs at a poorly conserved position in the protein, it is predicted to be benign by multiple in silico algorithms, and/or has population frequency not consistent with disease.